The following is an entry in ClinVar:

ClinVar aggregate classification (germline): Uncertain significance. Review status: criteria provided, multiple submitters, no conflicts (2 of 4 stars). 2 submissions from 2 submitters: Uncertain significance (2). Last evaluated 2025-12-17.

Conditions:
Juvenile nephropathic cystinosis. Also called: Intermediate Cystinosis; Later-Onset (Juvenile) Cystinosis; CYSTINOSIS, LATE-ONSET JUVENILE OR ADOLESCENT NEPHROPATHIC TYPE. Identifiers: Orphanet 213, Orphanet 411634, MedGen C0268626, MONDO:0009066, OMIM 219900.
Inborn genetic diseases. Identifiers: MedGen C0950123, MeSH D030342.
Ocular cystinosis. Also called: Non-Nephropathic Cystinosis; Non-Nephropathic (Ocular) Cystinosis. Identifiers: Orphanet 213, Orphanet 411641, MedGen C2931013, MONDO:0009064, OMIM 219750.

Allele frequency attached by ClinVar (database versions not stated): gnomAD exomes below 0.00001.
gnomAD v4.1: 1 of 1,613,854 alleles (0.000062%); highest among the groups gnomAD compares: Admixed American, 0.0017%; no homozygotes.

Submissions (2):

Ambry Genetics
Classification: Uncertain significance for Inborn genetic diseases. Last evaluated: 2025-12-17. Review status: criteria provided, single submitter. Criteria: Ambry Variant Classification Scheme 2023. Collection method: clinical testing. Allele origin: germline.

Labcorp Genetics (formerly Invitae), Labcorp
Classification: Uncertain significance for Inborn genetic diseases; Ocular cystinosis; Juvenile nephropathic cystinosis. Last evaluated: 2021-09-17. Review status: criteria provided, single submitter. Criteria: Invitae Variant Classification Sherloc (09022015). Collection method: clinical testing. Allele origin: germline.
Comment: This sequence change replaces threonine with isoleucine at codon 83 of the CTNS protein (p.Thr83Ile). The threonine residue is moderately conserved and there is a moderate physicochemical difference between threonine and isoleucine. This variant is not present in population databases (ExAC no frequency). This variant has not been reported in the literature in individuals with CTNS-related disease. Algorithms developed to predict the effect of missense changes on protein structure and function (SIFT, PolyPhen-2, Align-GVGD) all suggest that this variant is likely to be tolerated, but these predictions have not been confirmed by published functional studies and their clinical significance is uncertain. In summary, the available evidence is currently insufficient to determine the role of this variant in disease. Therefore, it has been classified as a Variant of Uncertain Significance.

NM_004937.3(CTNS):c.248C>T (p.Thr83Ile)

Genes: CTNS (cystinosin, lysosomal cystine transporter; plus strand), CTNS-AS1 (CTNS antisense RNA 1; minus strand). Cytogenetic location: 17p13.2.
Variant type: single nucleotide variant.
Coding change: c.248C>T on transcript NM_004937.3 (MANE Select); coding-DNA position 248, C replaced by T.
Protein change: p.Thr83Ile; replaces threonine 83 with isoleucine.
Molecular consequence: missense variant. On other transcripts: 5 prime UTR variant (4).
Genome position (GRCh38, 1-based): chr17:3,655,020, C>T. VCF-style: chr17-3655020-C-T. GRCh37 (hg19) VCF-style: chr17-3558314-C-T.
Other names: c.248C>T (NM_004937.2); c.248C>T, p.Thr83Ile (NM_001031681.3, NM_001374492.1); c.-194C>T (NM_001374493.1, NM_001374494.1, NM_001374495.1 and 1 more transcripts); short protein forms T83I.
Identifiers: ClinVar variation 1354041 (VCV001354041.8), dbSNP rs1295370570, ClinGen allele CA397690025.